The following is an entry in ClinVar:

ClinVar aggregate classification (germline): Uncertain significance (1 of 4 stars; one submission).

Conditions:
Cardiovascular phenotype. Identifiers: MedGen CN230736.

Allele frequency attached by ClinVar (database versions not stated): gnomAD exomes below 0.00001; TOPMed below 0.00001.
gnomAD v4.1: 2 of 1,591,484 alleles (0.00013%); highest among the groups gnomAD compares: Admixed American, 0.0017%; no homozygotes.

Submission:

Ambry Genetics
Classification: Uncertain significance for Cardiovascular phenotype. Last evaluated: 2022-02-16. Review status: criteria provided, single submitter. Criteria: Ambry Variant Classification Scheme 2023. Collection method: clinical testing. Allele origin: germline.
Comment: The p.I218V variant (also known as c.652A>G), located in coding exon 6 of the TECRL gene, results from an A to G substitution at nucleotide position 652. The isoleucine at codon 218 is replaced by valine, an amino acid with highly similar properties. This amino acid position is not well conserved in available vertebrate species. In addition, this alteration is predicted to be tolerated by in silico analysis. Since supporting evidence is limited at this time, the clinical significance of this alteration remains unclear.

NM_001010874.5(TECRL):c.652A>G (p.Ile218Val)

Gene: TECRL (trans-2,3-enoyl-CoA reductase like; minus strand). Cytogenetic location: 4q13.1.
Variant type: single nucleotide variant.
Coding change: c.652A>G on transcript NM_001010874.5 (MANE Select); coding-DNA position 652, A replaced by G.
Protein change: p.Ile218Val; replaces isoleucine 218 with valine.
Molecular consequence: missense variant.
Genome position (GRCh38, 1-based): chr4:64,309,831, T>C on the plus strand (A>G on the coding strand, the complement: TECRL is on the minus strand). VCF-style: chr4-64309831-T-C. GRCh37 (hg19) VCF-style: chr4-65175549-T-C.
Other names: c.652A>G, p.Ile218Val (NM_001363796.1); short protein forms I218V.
Identifiers: ClinVar variation 1754060 (VCV001754060.2), dbSNP rs1724560905, ClinGen allele CA357054127.